The following is an entry in ClinVar:

NM_001017979.3(RAB28):c.245A>G (p.Tyr82Cys)

Gene: RAB28 (RAB28, member RAS oncogene family; minus strand). Cytogenetic location: 4p15.33.
Variant type: single nucleotide variant.
Coding change: c.245A>G on transcript NM_001017979.3 (MANE Select); coding-DNA position 245, A replaced by G.
Protein change: p.Tyr82Cys; replaces tyrosine 82 with cysteine.
Molecular consequence: missense variant.
Genome position (GRCh38, 1-based): chr4:13,474,334, T>C on the plus strand (A>G on the coding strand, the complement: RAB28 is on the minus strand). VCF-style: chr4-13474334-T-C. GRCh37 (hg19) VCF-style: chr4-13475958-T-C.
Other names: c.245A>G, p.Tyr82Cys (NM_001159601.2, NM_004249.4); short protein forms Y82C.
Identifiers: ClinVar variation 1389325 (VCV001389325.6), dbSNP rs773702140, ClinGen allele CA2860171.
Genomic context (GRCh38, chr4:13,474,334, plus strand): 5'-GTGGTATACTTTCAATACTGGAATAATCAGAATTCATATCATACCTGTGCTCCATAGATA[T>C]ATTTATCCAACATTTTGCCTCCTATTGTCTGCCCTCCTATATCCCAAATTTGAAGGGTAA-3'
Protein context (NP_001017979.1, residues 72-92): QTIGGKMLDK[Tyr82Cys]IYGAQGVLLV

ClinVar aggregate classification (germline): Uncertain significance. Review status: criteria provided, single submitter (1 of 4 stars). 2 submissions from 2 submitters: Uncertain significance (1). 1 of the submissions does not count toward it. Last evaluated 2022-03-10.

Conditions:
Retinal dystrophy. Also called: Inherited retinal dystrophy. Identifiers: Orphanet 71862, MedGen C0854723, MeSH D058499, MONDO:0019118, HP:0000556.

Allele frequency attached by ClinVar (database versions not stated): ExAC 0.00001; gnomAD 0.00001; gnomAD exomes 0.00001; TOPMed 0.00002.
gnomAD v4.1: 15 of 1,590,662 alleles (0.00094%); highest among the groups gnomAD compares: Middle Eastern, 0.017%; no homozygotes.

Submissions (2):

Labcorp Genetics (formerly Invitae), Labcorp
Classification: Uncertain significance. Last evaluated: 2022-03-10. Review status: criteria provided, single submitter. Criteria: Invitae Variant Classification Sherloc (09022015). Collection method: clinical testing. Allele origin: germline.
Comment: This sequence change replaces tyrosine, which is neutral and polar, with cysteine, which is neutral and slightly polar, at codon 82 of the RAB28 protein (p.Tyr82Cys). This variant is present in population databases (rs773702140, gnomAD 0.003%). This variant has not been reported in the literature in individuals affected with RAB28-related conditions. Algorithms developed to predict the effect of missense changes on protein structure and function (SIFT, PolyPhen-2, Align-GVGD) all suggest that this variant is likely to be disruptive. Algorithms developed to predict the effect of sequence changes on RNA splicing suggest that this variant may create or strengthen a splice site. In summary, the available evidence is currently insufficient to determine the role of this variant in disease. Therefore, it has been classified as a Variant of Uncertain Significance.

Institute of Human Genetics, Univ. Regensburg, Univ. Regensburg
Classification: Uncertain significance for Retinal dystrophy. Last evaluated: 2023-01-01. Review status: no assertion criteria provided. Criteria: ACMG Guidelines, 2015. Collection method: clinical testing. Allele origin: germline. Affected: yes. Not counted in ClinVar's aggregate classification.